The following is an entry in ClinVar:

ClinVar aggregate classification (germline): drug response (0 of 4 stars; one submission).

Conditions:
Corticosteroids response. Also called: Corticosteroid response.

Submission:

Genetic Testing Lab, Ashok and Rita Patel Institute of Integrated Study and Research in Biotechnology and Allied Sciences
Classification: drug response for Corticosteroid response. Last evaluated: 2022-05-20. Review status: no assertion criteria provided. Collection method: research. Allele origin: somatic. Affected: yes. Observed: 37 variant alleles.
Comment: Depending upon patients response to standard corticosteroids therapy, they were classified to be either Steroid resistance(SRNS)(poor metabolizer) or steroid sensitive(SSNS)(likley responsive)

NM_004924.6(ACTN4):c.482A>G (p.Glu161Gly)

Gene: ACTN4 (actinin alpha 4; plus strand). Cytogenetic location: 19q13.2.
Variant type: single nucleotide variant.
Coding change: c.482A>G on transcript NM_004924.6 (MANE Select); coding-DNA position 482, A replaced by G.
Protein change: p.Glu161Gly; replaces glutamic acid 161 with glycine.
Molecular consequence: missense variant.
Genome position (GRCh38, 1-based): chr19:38,705,018, A>G. VCF-style: chr19-38705018-A-G. GRCh37 (hg19) VCF-style: chr19-39195658-A-G.
Other names: c.482A>G, p.Glu161Gly (NM_001322033.2); short protein forms E161G.
Identifiers: ClinVar variation 1698688 (VCV001698688.2), dbSNP rs2145009642, ClinGen allele CA405690172.